The following is an entry in ClinVar:

ClinVar aggregate classification (germline): Benign/Likely benign. Review status: criteria provided, multiple submitters, no conflicts (2 of 4 stars). 5 submissions from 5 submitters: Benign (2); Likely benign (3). Last evaluated 2026-09-01.

Conditions:
Leukodystrophy, hypomyelinating, 7, with or without oligodontia and/or hypogonadotropic hypogonadism (HLD7). Also called: LEUKODYSTROPHY, HYPOMYELINATING, 7, WITH OLIGODONTIA; LEUKODYSTROPHY, HYPOMYELINATING, 7, WITH OLIGODONTIA AND HYPOGONADOTROPIC HYPOGONADISM; LEUKODYSTROPHY, HYPOMYELINATING, 7, WITHOUT OLIGODONTIA OR HYPOGONADOTROPIC HYPOGONADISM; Ataxia, Delayed Dentition and Hypomyelination (ADDH); LEUKOENCEPHALOPATHY, HYPOMYELINATING, WITH ATAXIA AND DELAYED DENTITION; ATAXIA, DELAYED DENTITION, AND HYPOMYELINATION. Identifiers: Orphanet 137639, Orphanet 447893, Orphanet 447896, Orphanet 77295, Orphanet 88637, MedGen CN034185, MONDO:0011897, OMIM 607694.

Allele frequency attached by ClinVar (database versions not stated): 1000 Genomes Project 30x 0.00078; 1000 Genomes Project 0.00100; TOPMed 0.00277; gnomAD 0.00293 and 0.00313; ESP Exome Variant Server 0.00308; gnomAD exomes 0.00314 and 0.00505; ExAC 0.00346.
gnomAD v4.1: 7,703 of 1,613,880 alleles (0.48%); highest among the groups gnomAD compares: Non-Finnish European, 0.61%; 28 homozygotes.

Submissions (5):

CeGaT Center for Human Genetics Tuebingen
Classification: Likely benign. Last evaluated: 2026-09-01. Review status: criteria provided, single submitter. Criteria: CeGaT Center For Human Genetics Tuebingen Variant Classification Criteria Version 2. Collection method: clinical testing. Allele origin: germline. Affected: yes. Observed: 27 variant alleles.
Comment: POLR3A: BP4, BS2

Labcorp Genetics (formerly Invitae), Labcorp
Classification: Benign. Last evaluated: 2026-01-26. Review status: criteria provided, single submitter. Criteria: Invitae Variant Classification Sherloc (09022015). Collection method: clinical testing. Allele origin: germline.

Mayo Clinic Laboratories, Mayo Clinic
Classification: Benign. Last evaluated: 2025-03-04. Review status: criteria provided, single submitter. Criteria: ACMG Guidelines, 2015. Collection method: clinical testing. Allele origin: germline. Observed: 3 variant alleles.
Comment: BS1, BS2, BP4, BP7

Blueprint Genetics
Classification: Likely benign. Last evaluated: 2024-11-20. Review status: criteria provided, single submitter. Criteria: ACMG Guidelines, 2015. Collection method: clinical testing. Allele origin: germline.

Illumina Laboratory Services, Illumina
Classification: Likely benign for Leukodystrophy, hypomyelinating, 7, with or without oligodontia and/or hypogonadotropic hypogonadism. Last evaluated: 2018-01-13. Review status: criteria provided, single submitter. Criteria: ICSL Variant Classification Criteria 13 December 2019. Collection method: clinical testing. Allele origin: germline.
Comment: This variant was observed in the ICSL laboratory as part of a predisposition screen in an ostensibly healthy population. It had not been previously curated by ICSL or reported in the Human Gene Mutation Database (HGMD: prior to June 1st, 2018), and was therefore a candidate for classification through an automated scoring system. Utilizing variant allele frequency, disease prevalence and penetrance estimates, and inheritance mode, an automated score was calculated to assess if this variant is too frequent to cause the disease. Based on the score and internal cut-off values, a variant classified as likely benign is not then subjected to further curation. The score for this variant resulted in a classification of likely benign for this disease.

NM_007055.4(POLR3A):c.3660G>A (p.Lys1220=)

Gene: POLR3A (RNA polymerase III subunit A; minus strand). Cytogenetic location: 10q22.3.
Variant type: single nucleotide variant.
Coding change: c.3660G>A on transcript NM_007055.4 (MANE Select); coding-DNA position 3660, G replaced by A.
Protein change: p.Lys1220=; no amino-acid change (lysine 1220 retained).
Molecular consequence: synonymous variant.
Genome position (GRCh38, 1-based): chr10:77,982,253, C>T on the plus strand (G>A on the coding strand, the complement: POLR3A is on the minus strand). VCF-style: chr10-77982253-C-T. GRCh37 (hg19) VCF-style: chr10-79742011-C-T.
Other names: p.Lys1220=.
Identifiers: ClinVar variation 301040 (VCV000301040.54), dbSNP rs141312907, ClinGen allele CA5570756.